The following is an entry in ClinVar:

ClinVar aggregate classification (germline): Uncertain significance (1 of 4 stars; one submission).

Allele frequency attached by ClinVar (database versions not stated): ExAC 0.00001.
gnomAD v4.1: 1 of 1,605,686 alleles (0.000062%); highest among the groups gnomAD compares: African/African-American, 0.0013%; no homozygotes.

Submission:

Labcorp Genetics (formerly Invitae), Labcorp
Classification: Uncertain significance. Last evaluated: 2022-10-16. Review status: criteria provided, single submitter. Criteria: Invitae Variant Classification Sherloc (09022015). Collection method: clinical testing. Allele origin: germline.
Comment: Algorithms developed to predict the effect of missense changes on protein structure and function are either unavailable or do not agree on the potential impact of this missense change (SIFT: "Deleterious"; PolyPhen-2: "Possibly Damaging"; Align-GVGD: "Class C0"). This variant has not been reported in the literature in individuals affected with IRF2BP2-related conditions. This variant is present in population databases (rs767704918, gnomAD 0.007%). This sequence change replaces aspartic acid, which is acidic and polar, with asparagine, which is neutral and polar, at codon 586 of the IRF2BP2 protein (p.Asp586Asn). In summary, the available evidence is currently insufficient to determine the role of this variant in disease. Therefore, it has been classified as a Variant of Uncertain Significance.

NM_182972.3(IRF2BP2):c.1756G>A (p.Asp586Asn)

Gene: IRF2BP2 (interferon regulatory factor 2 binding protein 2; minus strand). Cytogenetic location: 1q42.3.
Variant type: single nucleotide variant.
Coding change: c.1756G>A on transcript NM_182972.3 (MANE Select); coding-DNA position 1756, G replaced by A.
Protein change: p.Asp586Asn; replaces aspartic acid 586 with asparagine.
Molecular consequence: missense variant.
Genome position (GRCh38, 1-based): chr1:234,607,145, C>T on the plus strand (G>A on the coding strand, the complement: IRF2BP2 is on the minus strand). VCF-style: chr1-234607145-C-T. GRCh37 (hg19) VCF-style: chr1-234742891-C-T.
Other names: c.1708G>A, p.Asp570Asn (NM_001077397.1); short protein forms D570N, D586N.
Identifiers: ClinVar variation 1721726 (VCV001721726.5), dbSNP rs767704918, ClinGen allele CA1461505.